The following is an entry in ClinVar:

ClinVar aggregate classification (germline): Uncertain significance (1 of 4 stars; one submission).

Submission:

Labcorp Genetics (formerly Invitae), Labcorp
Classification: Uncertain significance. Last evaluated: 2022-01-17. Review status: criteria provided, single submitter. Criteria: Invitae Variant Classification Sherloc (09022015). Collection method: clinical testing. Allele origin: germline.
Comment: In summary, the available evidence is currently insufficient to determine the role of this variant in disease. Therefore, it has been classified as a Variant of Uncertain Significance. Variants that disrupt the consensus splice site are a relatively common cause of aberrant splicing (PMID: 17576681, 9536098). Algorithms developed to predict the effect of sequence changes on RNA splicing suggest that this variant is not likely to affect RNA splicing. This variant has not been reported in the literature in individuals affected with CUL7-related conditions. This variant is not present in population databases (gnomAD no frequency). This sequence change falls in intron 19 of the CUL7 gene. It does not directly change the encoded amino acid sequence of the CUL7 protein. It affects a nucleotide within the consensus splice site.

Literature cited by the submitters: PubMed 17576681; PubMed 9536098.

NM_014780.5(CUL7):c.3645+3A>G

Gene: CUL7 (cullin 7; minus strand). Cytogenetic location: 6p21.1.
Variant type: single nucleotide variant.
Coding change: c.3645+3A>G on transcript NM_014780.5 (MANE Select); 3 bases into the intron after coding-DNA position 3645, A replaced by G.
Molecular consequence: intron variant.
Genome position (GRCh38, 1-based): chr6:43,042,799, T>C on the plus strand (A>G on the coding strand, the complement: CUL7 is on the minus strand). VCF-style: chr6-43042799-T-C. GRCh37 (hg19) VCF-style: chr6-43010537-T-C.
Other names: c.3741+3A>G (NM_001168370.2, NM_001374872.1); c.3642+3A>G (NM_001374874.1); c.3645+3A>G (NM_001374873.1).
Identifiers: ClinVar variation 2080029 (VCV002080029.4), dbSNP rs2532626488, ClinGen allele CA2580074540.